The following is an entry in ClinVar:

ClinVar aggregate classification (germline): Uncertain significance. Review status: criteria provided, multiple submitters, no conflicts (2 of 4 stars). 2 submissions from 2 submitters: Uncertain significance (2). Last evaluated 2024-02-28.

Conditions:
Inborn genetic diseases. Identifiers: MedGen C0950123, MeSH D030342.

Allele frequency attached by ClinVar (database versions not stated): gnomAD exomes below 0.00001 and 0.00001.
gnomAD v4.1: 12 of 1,607,728 alleles (0.00075%); highest among the groups gnomAD compares: East Asian, 0.027%; no homozygotes.

Submissions (2):

Ambry Genetics
Classification: Uncertain significance for Inborn genetic diseases. Last evaluated: 2024-02-28. Review status: criteria provided, single submitter. Criteria: Ambry Variant Classification Scheme 2023. Collection method: clinical testing. Allele origin: germline.
Comment: The p.K545N variant (also known as c.1635A>C), located in coding exon 11 of the CDH2 gene, results from an A to C substitution at nucleotide position 1635. The lysine at codon 545 is replaced by asparagine, an amino acid with similar properties. This amino acid position is conserved. In addition, this alteration is predicted to be tolerated by in silico analysis. Based on the available evidence, the clinical significance of this alteration remains unclear.

Labcorp Genetics (formerly Invitae), Labcorp
Classification: Uncertain significance. Last evaluated: 2022-09-03. Review status: criteria provided, single submitter. Criteria: Invitae Variant Classification Sherloc (09022015). Collection method: clinical testing. Allele origin: germline.
Comment: In summary, the available evidence is currently insufficient to determine the role of this variant in disease. Therefore, it has been classified as a Variant of Uncertain Significance. Algorithms developed to predict the effect of missense changes on protein structure and function are either unavailable or do not agree on the potential impact of this missense change (SIFT: "Deleterious"; PolyPhen-2: "Benign"; Align-GVGD: "Class C0"). ClinVar contains an entry for this variant (Variation ID: 1345128). This variant has not been reported in the literature in individuals affected with CDH2-related conditions. This variant is present in population databases (rs202132709, gnomAD 0.006%). This sequence change replaces lysine, which is basic and polar, with asparagine, which is neutral and polar, at codon 545 of the CDH2 protein (p.Lys545Asn).

NM_001792.5(CDH2):c.1635A>C (p.Lys545Asn)

Gene: CDH2 (cadherin 2; minus strand). Cytogenetic location: 18q12.1.
Variant type: single nucleotide variant.
Coding change: c.1635A>C on transcript NM_001792.5 (MANE Select); coding-DNA position 1635, A replaced by C.
Protein change: p.Lys545Asn; replaces lysine 545 with asparagine.
Molecular consequence: missense variant.
Genome position (GRCh38, 1-based): chr18:27,988,630, T>G on the plus strand (A>C on the coding strand, the complement: CDH2 is on the minus strand). VCF-style: chr18-27988630-T-G. GRCh37 (hg19) VCF-style: chr18-25568594-T-G.
Other names: c.1542A>C, p.Lys514Asn (NM_001308176.2); c.1635A>C (NM_001792.3); short protein forms K514N, K545N.
Identifiers: ClinVar variation 1345128 (VCV001345128.7), dbSNP rs202132709, ClinGen allele CA297682770.